The following is an entry in ClinVar:

ClinVar aggregate classification (germline): Likely pathogenic (1 of 4 stars; one submission).

Conditions:
Senior-Loken syndrome 4 (SLSN4). Identifiers: Orphanet 3156, MedGen C1846979, MONDO:0011756, OMIM 606996.
Nephronophthisis 4 (NPHP4). Also called: NEPHRONOPHTHISIS 4, JUVENILE. Identifiers: Orphanet 655, MedGen C1847013, MONDO:0011752, OMIM 606966.

Submission:

Juno Genomics, Hangzhou Juno Genomics, Inc
Classification: Likely pathogenic for Nephronophthisis 4; Senior-Loken syndrome 4. Review status: criteria provided, single submitter. Criteria: ACMG Guidelines, 2015. Collection method: clinical testing. Allele origin: germline.
Comment: Null variant in a gene where loss of function (LOF) is a known mechanism of disease.;Absent from controls (or at extremely low frequency if recessive) in Genome Aggregation Database.

NM_015102.5(NPHP4):c.1297G>T (p.Glu433Ter)

Gene: NPHP4 (nephrocystin 4; minus strand). Cytogenetic location: 1p36.31.
Variant type: single nucleotide variant.
Coding change: c.1297G>T on transcript NM_015102.5 (MANE Select); coding-DNA position 1297, G replaced by T.
Protein change: p.Glu433Ter; replaces glutamic acid 433 with a stop codon.
Molecular consequence: nonsense. On other transcripts: 5 prime UTR variant (2), non-coding transcript variant (1).
Genome position (GRCh38, 1-based): chr1:5,933,152, C>A on the plus strand (G>T on the coding strand, the complement: NPHP4 is on the minus strand). VCF-style: chr1-5933152-C-A. GRCh37 (hg19) VCF-style: chr1-5993212-C-A.
Other names: c.-70G>T (NM_001291593.2, NM_001291594.2); short protein forms E433*.
Identifiers: ClinVar variation 5006898 (VCV005006898.2).
Genomic context (GRCh38, chr1:5,933,152, plus strand): 5'-GAATGAACTTGCTAGAAGCTCACCGGAGATGCATAAGAAATACCTAATAATTTACCTCTT[C>A]AGAGCTCATGCTGGCTGAGGGTACCTTGTAGACCAGACAGTGCGAGGGGTTGGGCTGGAT-3'